The following is an entry in ClinVar:

NM_007294.4(BRCA1):c.4358-1194T>C

Gene: BRCA1 (BRCA1 DNA repair associated; minus strand). Cytogenetic location: 17q21.31.
Variant type: single nucleotide variant.
Coding change: c.4358-1194T>C on transcript NM_007294.4 (MANE Select); 1194 bases into the intron before coding-DNA position 4358, T replaced by C.
Molecular consequence: intron variant.
Genome position (GRCh38, 1-based): chr17:43,077,808, A>G on the plus strand (T>C on the coding strand, the complement: BRCA1 is on the minus strand). VCF-style: chr17-43077808-A-G. GRCh37 (hg19) VCF-style: chr17-41229825-A-G.
Other names: c.4094-1194T>C (NM_001407925.1, NM_001407921.1, NM_001407926.1 and 4 more transcripts); c.905-1194T>C (NM_001408467.1, NM_001408466.1, NM_001408465.1 and 3 more transcripts); c.908-1197T>C (NM_001408459.1, NM_001408460.1, NM_001408458.1 and 1 more transcripts); c.4217-1197T>C (NM_001407945.1, NM_001407736.1, NM_001407944.1 and 7 more transcripts); c.4217-1194T>C (NM_007297.4, NM_001407731.1, NM_001407695.1 and 13 more transcripts); c.845-1194T>C (NM_001408475.1); c.4154-1197T>C (NM_001407875.1, NM_001407874.1); c.4274-1194T>C (NM_001407659.1, NM_001407660.1); and 98 more.
Identifiers: ClinVar variation 264814 (VCV000264814.2), dbSNP rs182653629, ClinGen allele CA10588213.

ClinVar aggregate classification (germline): Benign (3 of 4 stars; one submission).

Conditions:
Breast-ovarian cancer, familial, susceptibility to, 1 (BROVCA1). Also called: BRCA1 Hereditary Breast and Ovarian Cancer; OVARIAN CANCER, SUSCEPTIBILITY TO. Identifiers: Orphanet 145, MedGen C2676676, MONDO:0011450, OMIM 604370. Disease mechanism: loss of function.

Allele frequency attached by ClinVar (database versions not stated): gnomAD 0.00571 and 0.00593; TOPMed 0.01056; 1000 Genomes Project 0.01298; 1000 Genomes Project 30x 0.01515.
gnomAD v4.1: 899 of 151,856 alleles (0.59%); highest among the groups gnomAD compares: Admixed American, 5.4%; 49 homozygotes.

Submission:

Evidence-based Network for the Interpretation of Germline Mutant Alleles (ENIGMA)
Classification: Benign for Breast-ovarian cancer, familial, susceptibility to, 1. Last evaluated: 2016-09-28. Review status: reviewed by expert panel. Criteria: ENIGMA BRCA1/2 Classification Criteria (2015). Collection method: curation. Allele origin: germline.
Comment: Class 1 not pathogenic based on frequency >1% in an outbred sampleset. Frequency 0.0922 (Admixed American/Latino), derived from 1000 genomes (2013-05-02).